The following is an entry in ClinVar:

ClinVar aggregate classification (germline): Benign/Likely benign. Review status: criteria provided, multiple submitters, no conflicts (2 of 4 stars). 5 submissions from 4 submitters: Benign (1); Likely benign (4). Last evaluated 2026-03-05.

Conditions:
Adams-Oliver syndrome 5 (AOS5). Identifiers: Orphanet 974, MedGen C4014970, MONDO:0014459, OMIM 616028.
Aortic valve disease 1 (AOVD1). Identifiers: MedGen C3887892, MONDO:0024523, OMIM 109730.

Allele frequency attached by ClinVar (database versions not stated): gnomAD 0.00003; ExAC 0.00006; gnomAD exomes 0.00006 and 0.00011; TOPMed 0.00018; ESP Exome Variant Server 0.00033.
gnomAD v4.1: 186 of 1,612,700 alleles (0.012%); highest among the groups gnomAD compares: African/African-American, 0.045%; 1 homozygote.

Submissions (5):

Women's Health and Genetics/Laboratory Corporation of America, LabCorp
Classification: Benign. Last evaluated: 2026-03-05. Review status: criteria provided, single submitter. Criteria: LabCorp Variant Classification Summary - May 2015. Collection method: clinical testing. Allele origin: germline.

Labcorp Genetics (formerly Invitae), Labcorp
Classification: Likely benign for Adams-Oliver syndrome 5. Last evaluated: 2025-11-04. Review status: criteria provided, single submitter. Criteria: Invitae Variant Classification Sherloc (09022015). Collection method: clinical testing. Allele origin: germline.

Genome-Nilou Lab
Classification: Likely benign for Adams-Oliver syndrome 5. Last evaluated: 2022-03-15. Review status: criteria provided, single submitter. Criteria: ACMG Guidelines, 2015. Collection method: clinical testing. Allele origin: germline. Affected: no.

Genome-Nilou Lab
Classification: Likely benign for Aortic valve disease 1. Last evaluated: 2022-03-15. Review status: criteria provided, single submitter. Criteria: ACMG Guidelines, 2015. Collection method: clinical testing. Allele origin: germline. Affected: no.

GeneDx
Classification: Likely benign. Last evaluated: 2017-04-21. Review status: criteria provided, single submitter. Criteria: GeneDx Variant Classification (06012015). Collection method: clinical testing. Allele origin: germline. Affected: yes.
Comment: This variant is considered likely benign or benign based on one or more of the following criteria: it is a conservative change, it occurs at a poorly conserved position in the protein, it is predicted to be benign by multiple in silico algorithms, and/or has population frequency not consistent with disease.

NM_017617.5(NOTCH1):c.3643+17G>A

Gene: NOTCH1 (notch receptor 1; minus strand). Cytogenetic location: 9q34.3.
Variant type: single nucleotide variant.
Coding change: c.3643+17G>A on transcript NM_017617.5 (MANE Select); 17 bases into the intron after coding-DNA position 3643, G replaced by A.
Molecular consequence: intron variant.
Genome position (GRCh38, 1-based): chr9:136,507,288, C>T on the plus strand (G>A on the coding strand, the complement: NOTCH1 is on the minus strand). VCF-style: chr9-136507288-C-T. GRCh37 (hg19) VCF-style: chr9-139401740-C-T.
Other names: c.3643+17G>A (LRG_1122t1).
Identifiers: ClinVar variation 509037 (VCV000509037.10), dbSNP rs376187570, ClinGen allele CA5340857.